The following is an entry in ClinVar:

NM_006230.4(POLD2):c.1318G>A (p.Val440Met)

Gene: POLD2 (DNA polymerase delta 2, accessory subunit; minus strand). Cytogenetic location: 7p13.
Variant type: single nucleotide variant.
Coding change: c.1318G>A on transcript NM_006230.4 (MANE Select); coding-DNA position 1318, G replaced by A.
Protein change: p.Val440Met; replaces valine 440 with methionine.
Molecular consequence: missense variant.
Genome position (GRCh38, 1-based): chr7:44,114,877, C>T on the plus strand (G>A on the coding strand, the complement: POLD2 is on the minus strand). VCF-style: chr7-44114877-C-T. GRCh37 (hg19) VCF-style: chr7-44154476-C-T.
Other names: c.1318G>A, p.Val440Met (NM_001127218.3, NM_001256879.2); short protein forms V440M.
Identifiers: ClinVar variation 3216307 (VCV003216307.2), dbSNP rs760882410, ClinGen allele CA4238550.

ClinVar aggregate classification (germline): Uncertain significance. Review status: criteria provided, multiple submitters, no conflicts (2 of 4 stars). 2 submissions from 2 submitters: Uncertain significance (2). Last evaluated 2025-05-18.

Allele frequency attached by ClinVar (database versions not stated): ExAC 0.00001.
gnomAD v4.1: 9 of 1,613,898 alleles (0.00056%); highest among the groups gnomAD compares: Non-Finnish European, 0.00076%; no homozygotes.

Submissions (2):

Labcorp Genetics (formerly Invitae), Labcorp
Classification: Uncertain significance. Last evaluated: 2025-05-18. Review status: criteria provided, single submitter. Criteria: Invitae Variant Classification Sherloc (09022015). Collection method: clinical testing. Allele origin: germline.
Comment: This sequence change replaces valine, which is neutral and non-polar, with methionine, which is neutral and non-polar, at codon 475 of the POLD2 protein (p.Val475Met). This variant is not present in population databases (gnomAD no frequency). This variant has not been reported in the literature in individuals affected with POLD2-related conditions. ClinVar contains an entry for this variant (Variation ID: 3216307). Experimental studies and prediction algorithms are not available or were not evaluated, and the functional significance of this variant is currently unknown. In summary, the available evidence is currently insufficient to determine the role of this variant in disease. Therefore, it has been classified as a Variant of Uncertain Significance.

Ambry Genetics
Classification: Uncertain significance. Last evaluated: 2023-12-27. Review status: criteria provided, single submitter. Criteria: Ambry Variant Classification Scheme 2023. Collection method: clinical testing. Allele origin: germline.